The following is an entry in ClinVar:

ClinVar aggregate classification (germline): Uncertain significance. Review status: criteria provided, multiple submitters, no conflicts (2 of 4 stars). 4 submissions from 4 submitters: Uncertain significance (4). Last evaluated 2026-04-27.

Conditions:
Cardiovascular phenotype. Identifiers: MedGen CN230736.
Hypertrophic cardiomyopathy 14. Identifiers: MedGen C2750467, MONDO:0013197, OMIM 613251.
Dilated cardiomyopathy 1EE (CMD1EE). Identifiers: Orphanet 154, MedGen C2750466, MONDO:0013198, OMIM 613252.

Allele frequency attached by ClinVar (database versions not stated): gnomAD exomes below 0.00001; ExAC 0.00001; gnomAD 0.00001.

Submissions (4):

Women's Health and Genetics/Laboratory Corporation of America, LabCorp
Classification: Uncertain significance. Last evaluated: 2026-04-27. Review status: criteria provided, single submitter. Criteria: LabCorp Variant Classification Summary - May 2015. Collection method: clinical testing. Allele origin: germline.
Comment: Variant summary: MYH6 c.5389C>G (p.His1797Asp) results in a non-conservative amino acid change in the encoded protein sequence. Algorithms developed to predict the effect of missense changes on protein structure and function are either unavailable or do not agree on the potential impact of this missense change. The variant allele was found at a frequency of 4e-06 in 251496 control chromosomes. The available data on variant occurrences in the general population are insufficient to allow any conclusion about variant significance. To our knowledge, no occurrence of c.5389C>G in individuals affected with MYH6-related conditions and no experimental evidence demonstrating its impact on protein function have been reported. ClinVar contains an entry for this variant (Variation ID: 1055496). Based on the evidence outlined above, the variant was classified as uncertain significance.

Ambry Genetics
Classification: Uncertain significance for Cardiovascular phenotype. Last evaluated: 2025-10-12. Review status: criteria provided, single submitter. Criteria: Ambry Variant Classification Scheme 2023. Collection method: clinical testing. Allele origin: germline.
Comment: The p.H1797D variant (also known as c.5389C>G), located in coding exon 34 of the MYH6 gene, results from a C to G substitution at nucleotide position 5389. The histidine at codon 1797 is replaced by aspartic acid, an amino acid with similar properties. This amino acid position is well conserved in available vertebrate species. In addition, the in silico prediction for this alteration is inconclusive. Since supporting evidence is limited at this time, the clinical significance of this alteration remains unclear.

Institute of Immunology and Genetics Kaiserslautern
Classification: Uncertain significance for Hypertrophic cardiomyopathy 14; Dilated cardiomyopathy 1EE. Last evaluated: 2025-02-19. Review status: criteria provided, single submitter. Criteria: ACMG Guidelines, 2015. Collection method: clinical testing. Allele origin: germline. Affected: yes.
Comment: ACMG Criteria: PM2_P; Variant was found in heterozygous state.

Labcorp Genetics (formerly Invitae), Labcorp
Classification: Uncertain significance for Hypertrophic cardiomyopathy 14. Last evaluated: 2020-08-23. Review status: criteria provided, single submitter. Criteria: Invitae Variant Classification Sherloc (09022015). Collection method: clinical testing. Allele origin: germline.
Comment: This sequence change replaces histidine with aspartic acid at codon 1797 of the MYH6 protein (p.His1797Asp). The histidine residue is weakly conserved and there is a moderate physicochemical difference between histidine and aspartic acid. This variant is present in population databases (rs752680603, ExAC 0.001%). This variant has not been reported in the literature in individuals with MYH6-related conditions. Algorithms developed to predict the effect of missense changes on protein structure and function (SIFT, PolyPhen-2, Align-GVGD) all suggest that this variant is likely to be tolerated, but these predictions have not been confirmed by published functional studies and their clinical significance is uncertain. In summary, the available evidence is currently insufficient to determine the role of this variant in disease. Therefore, it has been classified as a Variant of Uncertain Significance.

NM_002471.4(MYH6):c.5389C>G (p.His1797Asp)

Gene: MYH6 (myosin heavy chain 6; minus strand). Cytogenetic location: 14q11.2.
Variant type: single nucleotide variant.
Coding change: c.5389C>G on transcript NM_002471.4 (MANE Select); coding-DNA position 5389, C replaced by G.
Protein change: p.His1797Asp; replaces histidine 1797 with aspartic acid.
Molecular consequence: missense variant.
Genome position (GRCh38, 1-based): chr14:23,384,618, G>C on the plus strand (C>G on the coding strand, the complement: MYH6 is on the minus strand). VCF-style: chr14-23384618-G-C. GRCh37 (hg19) VCF-style: chr14-23853827-G-C.
Other names: short protein forms H1797D.
Identifiers: ClinVar variation 1055496 (VCV001055496.14), dbSNP rs752680603, ClinGen allele CA7114444.
Genomic context (GRCh38, chr14:23,384,618, plus strand): 5'-GCTTCTGCAGCTGCTTCTTGCCTCCCTTGAGGGCGATCTGCTCGGCCTCGTCCAGCCGGT[G>C]CTGCAGGTCCTTAATGGTCTGCTCCATGTTCTTCTTCATGCGCTCCAGGTGGGCGCTGGT-3'
Protein context (NP_002462.2, residues 1787-1807): NMEQTIKDLQ[His1797Asp]RLDEAEQIAL